The following is an entry in ClinVar:

NM_032119.4(ADGRV1):c.4271G>A (p.Trp1424Ter)

Gene: ADGRV1 (adhesion G protein-coupled receptor V1; plus strand). Cytogenetic location: 5q14.3.
Variant type: single nucleotide variant.
Coding change: c.4271G>A on transcript NM_032119.4 (MANE Select); coding-DNA position 4271, G replaced by A.
Protein change: p.Trp1424Ter; replaces tryptophan 1424 with a stop codon.
Molecular consequence: nonsense. On other transcripts: non-coding transcript variant (1).
Genome position (GRCh38, 1-based): chr5:90,653,845, G>A. VCF-style: chr5-90653845-G-A. GRCh37 (hg19) VCF-style: chr5-89949662-G-A.
Other names: short protein forms W1424*.
Identifiers: ClinVar variation 1333257 (VCV001333257.1), dbSNP rs2149468550, ClinGen allele CA360402121.
Genomic context (GRCh38, chr5:90,653,845, plus strand): 5'-GTTCCAATGCTACATACATTGCCAAGACAACAGTCATGAAATATTTAGAAGAAAGTGTTT[G>A]GCTTCATCTACTAATTATCCTGGAGGATGGTATAATCGAATTCTACCTGGATGGAAATGC-3'

ClinVar aggregate classification (germline): Likely pathogenic (1 of 4 stars; one submission).

Conditions:
Usher syndrome type 2C. Also called: Usher syndrome, type 2B; USHER SYNDROME, TYPE IIC. Identifiers: Orphanet 231178, Orphanet 886, MedGen C2931213, MONDO:0011558, OMIM 605472.

Submission:

3billion
Classification: Likely pathogenic for Usher syndrome type 2C. Last evaluated: 2022-01-03. Review status: criteria provided, single submitter. Criteria: ACMG Guidelines, 2015. Collection method: clinical testing. Allele origin: germline. Affected: yes. Observed: 1 homozygote.
Comment: Stop-gained (nonsense): predicted to result in a loss or disruption of normal protein function through nonsense-mediated decay (NMD) or protein truncation. Multiple pathogenic variants are reported downstream of the variant (PVS1_VS). It is not observed in the gnomAD v2.1.1 dataset (PM2_M). Therefore, this variant is classified as likely pathogenic according to the recommendation of ACMG/AMP guideline.